The following is an entry in ClinVar:

NM_012079.6(DGAT1):c.982-1G>A

Genes: DGAT1 (diacylglycerol O-acyltransferase 1; minus strand), LOC130001383 (ATAC-STARR-seq lymphoblastoid active region 28093; plus strand). Cytogenetic location: 8q24.3.
Variant type: single nucleotide variant.
Coding change: c.982-1G>A on transcript NM_012079.6 (MANE Select); the canonical splice acceptor site of the intron before coding-DNA position 982, G replaced by A.
Molecular consequence: splice acceptor variant.
Genome position (GRCh38, 1-based): chr8:144,317,446, C>T on the plus strand (G>A on the coding strand, the complement: DGAT1 is on the minus strand). VCF-style: chr8-144317446-C-T. GRCh37 (hg19) VCF-style: chr8-145541109-C-T.
Identifiers: ClinVar variation 2808516 (VCV002808516.3), dbSNP rs1239628575, ClinGen allele CA372609323.
Genomic context (GRCh38, chr8:144,317,446, plus strand): 5'-ATTCAGGCAGGAGTGGAAGAGCCAGTAGAAGAAGATGAGCCAGATGAGGTGATTGGGGAC[C>T]TGGCAGGGAGGTGGGGGTGGGCACCAAGTTCTAGAACCTTCCCCCACATGCCACTGTCCC-3'

ClinVar aggregate classification (germline): Likely pathogenic (1 of 4 stars; one submission).

Allele frequency attached by ClinVar (database versions not stated): gnomAD exomes below 0.00001; TOPMed below 0.00001.

Submission:

Labcorp Genetics (formerly Invitae), Labcorp
Classification: Likely pathogenic. Last evaluated: 2023-08-02. Review status: criteria provided, single submitter. Criteria: Invitae Variant Classification Sherloc (09022015). Collection method: clinical testing. Allele origin: germline.
Comment: This sequence change affects an acceptor splice site in intron 12 of the DGAT1 gene. It is expected to disrupt RNA splicing. Variants that disrupt the donor or acceptor splice site typically lead to a loss of protein function (PMID: 16199547), and loss-of-function variants in DGAT1 are known to be pathogenic (PMID: 29604290). In summary, the currently available evidence indicates that the variant is pathogenic, but additional data are needed to prove that conclusively. Therefore, this variant has been classified as Likely Pathogenic. Algorithms developed to predict the effect of sequence changes on RNA splicing suggest that this variant may disrupt the consensus splice site. This variant has not been reported in the literature in individuals affected with DGAT1-related conditions. This variant is present in population databases (no rsID available, gnomAD 0.0009%).

Literature cited by the submitters: PubMed 16199547; PubMed 29604290.